The following is an entry in ClinVar:

ClinVar aggregate classification (germline): Uncertain significance. Review status: criteria provided, multiple submitters, no conflicts (2 of 4 stars). 2 submissions from 2 submitters: Uncertain significance (2). Last evaluated 2025-08-19.

Conditions:
Inborn genetic diseases. Identifiers: MedGen C0950123, MeSH D030342.

Submissions (2):

Ambry Genetics
Classification: Uncertain significance for Inborn genetic diseases. Last evaluated: 2025-08-19. Review status: criteria provided, single submitter. Criteria: Ambry Variant Classification Scheme 2023. Collection method: clinical testing. Allele origin: germline.

Labcorp Genetics (formerly Invitae), Labcorp
Classification: Uncertain significance. Last evaluated: 2022-08-21. Review status: criteria provided, single submitter. Criteria: Invitae Variant Classification Sherloc (09022015). Collection method: clinical testing. Allele origin: germline.
Comment: This sequence change replaces isoleucine, which is neutral and non-polar, with threonine, which is neutral and polar, at codon 1946 of the CACNA1E protein (p.Ile1946Thr). This variant is not present in population databases (gnomAD no frequency). This variant has not been reported in the literature in individuals affected with CACNA1E-related conditions. Advanced modeling of protein sequence and biophysical properties (such as structural, functional, and spatial information, amino acid conservation, physicochemical variation, residue mobility, and thermodynamic stability) performed at Invitae indicates that this missense variant is not expected to disrupt CACNA1E protein function. In summary, the available evidence is currently insufficient to determine the role of this variant in disease. Therefore, it has been classified as a Variant of Uncertain Significance.

NM_001205293.3(CACNA1E):c.5837T>C (p.Ile1946Thr)

Gene: CACNA1E (calcium voltage-gated channel subunit alpha1 E; plus strand). Cytogenetic location: 1q25.3.
Variant type: single nucleotide variant.
Coding change: c.5837T>C on transcript NM_001205293.3 (MANE Select); coding-DNA position 5837, T replaced by C.
Protein change: p.Ile1946Thr; replaces isoleucine 1946 with threonine.
Molecular consequence: missense variant.
Genome position (GRCh38, 1-based): chr1:181,790,495, T>C. VCF-style: chr1-181790495-T-C. GRCh37 (hg19) VCF-style: chr1-181759631-T-C.
Other names: c.5837T>C, p.Ile1946Thr (NM_000721.4); c.5780T>C, p.Ile1927Thr (NM_001205294.2); c.5837T>C (NM_001205293.1); short protein forms I1927T, I1946T.
Identifiers: ClinVar variation 2144766 (VCV002144766.5), dbSNP rs2529286619, ClinGen allele CA343631979.